The following is an entry in ClinVar:

NM_000098.3(CPT2):c.763G>C (p.Asp255His)

Gene: CPT2 (carnitine palmitoyltransferase 2; plus strand). Cytogenetic location: 1p32.3.
Variant type: single nucleotide variant.
Coding change: c.763G>C on transcript NM_000098.3 (MANE Select); coding-DNA position 763, G replaced by C.
Protein change: p.Asp255His; replaces aspartic acid 255 with histidine.
Molecular consequence: missense variant.
Genome position (GRCh38, 1-based): chr1:53,210,437, G>C. VCF-style: chr1-53210437-G-C. GRCh37 (hg19) VCF-style: chr1-53676109-G-C.
Other names: c.763G>C, p.Asp255His (NM_001330589.2); short protein forms D255H.
Identifiers: ClinVar variation 2094185 (VCV002094185.1), dbSNP rs771250137, ClinGen allele CA859044.
Genomic context (GRCh38, chr1:53,210,437, plus strand): 5'-TTCACTGATGACAAGGCCAGACACCTCCTGGTCCTAAGGAAAGGAAATTTTTATATCTTT[G>C]ATGTCCTGGATCAAGATGGGAACATTGTGAGCCCCTCGGAAATCCAGGCACATCTGAAGT-3'
Protein context (NP_000089.1, residues 245-265): VLRKGNFYIF[Asp255His]VLDQDGNIVS

ClinVar aggregate classification (germline): Uncertain significance (1 of 4 stars; one submission).

Conditions:
Carnitine palmitoyltransferase II deficiency. Also called: Carnitine Palmitoyltransferase 2 Deficiency. Identifiers: Orphanet 157, MedGen C0342790, MONDO:0015515.

Allele frequency attached by ClinVar (database versions not stated): ExAC 0.00001; TOPMed 0.00001.
gnomAD v4.1: 4 of 1,614,102 alleles (0.00025%); highest among the groups gnomAD compares: Admixed American, 0.0067%; no homozygotes.

Submission:

Labcorp Genetics (formerly Invitae), Labcorp
Classification: Uncertain significance for Carnitine palmitoyltransferase II deficiency. Last evaluated: 2022-01-15. Review status: criteria provided, single submitter. Criteria: Invitae Variant Classification Sherloc (09022015). Collection method: clinical testing. Allele origin: germline.
Comment: This sequence change replaces aspartic acid, which is acidic and polar, with histidine, which is basic and polar, at codon 255 of the CPT2 protein (p.Asp255His). This variant is present in population databases (rs771250137, gnomAD 0.009%). This variant has not been reported in the literature in individuals affected with CPT2-related conditions. Algorithms developed to predict the effect of missense changes on protein structure and function are either unavailable or do not agree on the potential impact of this missense change (SIFT: "Deleterious"; PolyPhen-2: "Probably Damaging"; Align-GVGD: "Class C0"). In summary, the available evidence is currently insufficient to determine the role of this variant in disease. Therefore, it has been classified as a Variant of Uncertain Significance.